The following is an entry in ClinVar:

NM_006509.4(RELB):c.80C>G (p.Pro27Arg)

Genes: RELB (RELB proto-oncogene, NF-kB subunit; plus strand), LOC130064661 (ATAC-STARR-seq lymphoblastoid silent region 10746; plus strand). Cytogenetic location: 19q13.32.
Variant type: single nucleotide variant.
Coding change: c.80C>G on transcript NM_006509.4 (MANE Select); coding-DNA position 80, C replaced by G.
Protein change: p.Pro27Arg; replaces proline 27 with arginine.
Molecular consequence: missense variant.
Genome position (GRCh38, 1-based): chr19:45,001,659, C>G. VCF-style: chr19-45001659-C-G. GRCh37 (hg19) VCF-style: chr19-45504917-C-G.
Other names: short protein forms P27R.
Identifiers: ClinVar variation 1401691 (VCV001401691.8), dbSNP rs1206106496, ClinGen allele CA406319738.

ClinVar aggregate classification (germline): Uncertain significance (1 of 4 stars; one submission).

Allele frequency attached by ClinVar (database versions not stated): gnomAD exomes 0.00001; TOPMed 0.00002; gnomAD 0.00003 and 0.00004.
gnomAD v4.1: 7 of 1,521,830 alleles (0.00046%); highest among the groups gnomAD compares: African/African-American, 0.007%; no homozygotes.

Submission:

Labcorp Genetics (formerly Invitae), Labcorp
Classification: Uncertain significance. Last evaluated: 2022-11-08. Review status: criteria provided, single submitter. Criteria: Invitae Variant Classification Sherloc (09022015). Collection method: clinical testing. Allele origin: germline.
Comment: Algorithms developed to predict the effect of missense changes on protein structure and function (SIFT, PolyPhen-2, Align-GVGD) all suggest that this variant is likely to be tolerated. ClinVar contains an entry for this variant (Variation ID: 1401691). This variant has not been reported in the literature in individuals affected with RELB-related conditions. The frequency data for this variant in the population databases is considered unreliable, as metrics indicate poor data quality at this position in the gnomAD database. This sequence change replaces proline, which is neutral and non-polar, with arginine, which is basic and polar, at codon 27 of the RELB protein (p.Pro27Arg). In summary, the available evidence is currently insufficient to determine the role of this variant in disease. Therefore, it has been classified as a Variant of Uncertain Significance.